The following is an entry in ClinVar:

ClinVar aggregate classification (germline): Pathogenic (1 of 4 stars; one submission).

Conditions:
Primary ciliary dyskinesia. Also called: Ciliary dyskinesia. Identifiers: Orphanet 244, MedGen C0008780, MONDO:0016575, HP:0012265.

Submission:

Labcorp Genetics (formerly Invitae), Labcorp
Classification: Pathogenic for Primary ciliary dyskinesia. Last evaluated: 2024-02-23. Review status: criteria provided, single submitter. Criteria: Invitae Variant Classification Sherloc (09022015). Collection method: clinical testing. Allele origin: germline.
Comment: This sequence change creates a premature translational stop signal (p.Glu1045*) in the RPGR (ORF15) gene. While this is not anticipated to result in nonsense mediated decay, it is expected to disrupt the last 108 amino acid(s) of the RPGR (ORF15) protein. This variant is not present in population databases (gnomAD no frequency). This variant has not been reported in the literature in individuals affected with RPGR (ORF15)-related conditions. ClinVar contains an entry for this variant (Variation ID: 2078835). This variant disrupts a region of the RPGR (ORF15) protein in which other variant(s) (p.Leu1130Lysfs*13) have been determined to be pathogenic (PMID: 22264887; Invitae). This suggests that this is a clinically significant region of the protein, and that variants that disrupt it are likely to be disease-causing. For these reasons, this variant has been classified as Pathogenic.

Literature cited by the submitters: PubMed 22264887.

NM_001034853.2(RPGR):c.3133G>T (p.Glu1045Ter)

Gene: RPGR (retinitis pigmentosa GTPase regulator; minus strand). Cytogenetic location: Xp11.4.
Variant type: single nucleotide variant.
Coding change: c.3133G>T on transcript NM_001034853.2 (MANE Select); coding-DNA position 3133, G replaced by T.
Protein change: p.Glu1045Ter; replaces glutamic acid 1045 with a stop codon.
Molecular consequence: nonsense. On other transcripts: intron variant (8).
Genome position (GRCh38, 1-based): chrX:38,285,866, C>A on the plus strand (G>T on the coding strand, the complement: RPGR is on the minus strand). VCF-style: chrX-38285866-C-A. GRCh37 (hg19) VCF-style: chrX-38145119-C-A.
Other names: c.1569+5093G>T (NM_001367249.1, NM_001367250.1); c.1902+1228G>T (NM_001367245.1); c.1386+5093G>T (NM_001367251.1); c.1719+1228G>T (NM_001367246.1); c.1572+5093G>T (NM_001367247.1); c.1905+1228G>T (NM_000328.3); c.1602+5093G>T (NM_001367248.1); short protein forms E1045*.
Identifiers: ClinVar variation 2078835 (VCV002078835.4), dbSNP rs2519781357, ClinGen allele CA412728937.
Genomic context (GRCh38, chrX:38,285,866, plus strand): 5'-CTTCCTCCTCCTCTTCTCTGTTCCTCCTGTTTTCTTCTCCTTCCCCCTCCTTTTCCCTTT[C>A]TTCTCCTTCCTCCTCTCCTTCCTCTTCCTCTCCTTCCCCCTCTCCTTCCTCCCCTTCCAC-3'